The following is an entry in ClinVar:

ClinVar aggregate classification (germline): Uncertain significance. Review status: criteria provided, multiple submitters, no conflicts (2 of 4 stars). 2 submissions from 2 submitters: Uncertain significance (2). Last evaluated 2025-05-16.

Conditions:
Autosomal recessive limb-girdle muscular dystrophy type 2Y (MRRSDC). Also called: Muscular dystrophy, limb-girdle, type 2y; Muscular dystrophy, autosomal recessive, with rigid spine and distal joint contractures. Identifiers: Orphanet 424261, MedGen C4511482, MONDO:0014900, OMIM 617072.
Inborn genetic diseases. Identifiers: MedGen C0950123, MeSH D030342.

Allele frequency attached by ClinVar (database versions not stated): gnomAD 0.00006; TOPMed 0.00006; ExAC 0.00001.

Submissions (2):

Ambry Genetics
Classification: Uncertain significance for Inborn genetic diseases. Last evaluated: 2025-05-16. Review status: criteria provided, single submitter. Criteria: Ambry Variant Classification Scheme 2023. Collection method: clinical testing. Allele origin: germline.

Labcorp Genetics (formerly Invitae), Labcorp
Classification: Uncertain significance for Autosomal recessive limb-girdle muscular dystrophy type 2Y. Last evaluated: 2022-06-04. Review status: criteria provided, single submitter. Criteria: Invitae Variant Classification Sherloc (09022015). Collection method: clinical testing. Allele origin: germline.
Comment: This sequence change replaces arginine, which is basic and polar, with tryptophan, which is neutral and slightly polar, at codon 405 of the TOR1AIP1 protein (p.Arg405Trp). This variant is present in population databases (rs541059100, gnomAD 0.009%). This variant has not been reported in the literature in individuals affected with TOR1AIP1-related conditions. ClinVar contains an entry for this variant (Variation ID: 955501). Algorithms developed to predict the effect of missense changes on protein structure and function are either unavailable or do not agree on the potential impact of this missense change (SIFT: "Deleterious"; PolyPhen-2: "Benign"; Align-GVGD: "Class C0"). In summary, the available evidence is currently insufficient to determine the role of this variant in disease. Therefore, it has been classified as a Variant of Uncertain Significance.

NM_015602.4(TOR1AIP1):c.1210C>T (p.Arg404Trp)

Gene: TOR1AIP1 (torsin 1A interacting protein 1; plus strand). Cytogenetic location: 1q25.2.
Variant type: single nucleotide variant.
Coding change: c.1210C>T on transcript NM_015602.4 (MANE Select); coding-DNA position 1210, C replaced by T.
Protein change: p.Arg404Trp; replaces arginine 404 with tryptophan.
Molecular consequence: missense variant.
Genome position (GRCh38, 1-based): chr1:179,917,697, C>T. VCF-style: chr1-179917697-C-T. GRCh37 (hg19) VCF-style: chr1-179886832-C-T.
Other names: c.1213C>T, p.Arg405Trp (NM_001267578.2); c.1210C>T (NM_015602.2); short protein forms R405W, R404W.
Identifiers: ClinVar variation 955501 (VCV000955501.5), dbSNP rs541059100, ClinGen allele CA1269107.